The following is an entry in ClinVar:

NM_000132.4(F8):c.5302C>T (p.Arg1768Cys)

Gene: F8 (coagulation factor VIII; minus strand). Cytogenetic location: Xq28.
Variant type: single nucleotide variant.
Coding change: c.5302C>T on transcript NM_000132.4 (MANE Select); coding-DNA position 5302, C replaced by T.
Protein change: p.Arg1768Cys; replaces arginine 1768 with cysteine.
Molecular consequence: missense variant.
Genome position (GRCh38, 1-based): chrX:154,906,491, G>A on the plus strand (C>T on the coding strand, the complement: F8 is on the minus strand). VCF-style: chrX-154906491-G-A. GRCh37 (hg19) VCF-style: chrX-154134766-G-A.
Other names: short protein forms R1768C.
Identifiers: ClinVar variation 1698863 (VCV001698863.4), dbSNP rs1046670041, ClinGen allele CA414910858.

ClinVar aggregate classification (germline): Pathogenic/Likely pathogenic. Review status: criteria provided, multiple submitters, no conflicts (2 of 4 stars). 2 submissions from 2 submitters: Pathogenic (1); Likely pathogenic (1). Last evaluated 2022-03-31.

Conditions:
Hereditary factor VIII deficiency disease (HEMA). Also called: HEMOPHILIA, CLASSIC; AUTOSOMAL HEMOPHILIA A; Hemophilia A; Hemophilia A, congenital; HEM A; Factor 8 deficiency, congenital. Identifiers: Orphanet 98878, MedGen C0019069, MONDO:0010602, OMIM 306700.

Allele frequency attached by ClinVar (database versions not stated): gnomAD exomes 0.00001.

Submissions (2):

Victorian Clinical Genetics Services, Murdoch Childrens Research Institute
Classification: Pathogenic for Hereditary factor VIII deficiency disease. Last evaluated: 2022-03-31. Review status: criteria provided, single submitter. Criteria: ACMG Guidelines, 2015. Collection method: clinical testing. Allele origin: germline. Inheritance: X-linked recessive inheritance.
Comment: Based on the classification scheme VCGS_Germline_v1.3.4, this variant is classified as pathogenic. The following criteria are met: 0102 - Loss of function is a known mechanism of disease in this gene and is associated with haemophilia A (MIM#306700). (I) 0109 - This gene is associated with X-linked recessive disease. (I) 0200 - Variant is predicted to result in a missense amino acid change from arginine to cysteine. (I) 0251 - This variant is heterozygous. (I) 0304 - Variant is present in gnomAD <0.01 for a recessive condition (v2) (1 heterozygote, 0 homozygotes, 0 hemizygotes). (SP) 0309 - An alternative amino acid change at the same position has been observed in gnomAD (v2) (1 heterozygote, 0 homozygotes, 0 hemizygotes). (I) 0501 - Missense variant consistently predicted to be damaging by multiple in silico tools or highly conserved with a major amino acid change. (SP) 0600 - Variant is located in the annotated A3 domain (PMID: 23711237). (I) 0801 - This variant has strong previous evidence of pathogenicity in unrelated individuals. This variant, also referred to as p.(Arg1749Cys) due to alternative nomenclature, has previously been reported in at least 10 haemophilia A patients where, when provided, has been associated with mild haemophilia A (PMID: 23711237; 29296726; 22103590; 18691168; 18387975). (SP) 0905 - No published segregation evidence has been identified for this variant. (I) 1007 - No published functional evidence has been identified for this variant. (I) 0704 - Another missense variant comparable to the one identified in this case has limited previous evidence for pathogenicity. A single alternative change to histidine, p.(Arg1768His) has previously been reported in patients with mild haemophilia A (PMID: 32166871; 22103590; 29296726). (SP) Legend: (SP) - Supporting pathogenic, (I) - Information, (SB) - Supporting benign

Genetics and Molecular Pathology, SA Pathology
Classification: Likely pathogenic for Hereditary factor VIII deficiency disease. Last evaluated: 2021-07-30. Review status: criteria provided, single submitter. Criteria: ACMG Guidelines, 2015. Collection method: clinical testing. Allele origin: germline. Inheritance: X-linked recessive inheritance. Affected: yes.

Literature cited by the submitters: PubMed 18387975 (cited by Victorian Clinical Genetics Services, Murdoch Childrens Research Institute); PubMed 18691168 (cited by Victorian Clinical Genetics Services, Murdoch Childrens Research Institute); PubMed 22103590 (cited by Victorian Clinical Genetics Services, Murdoch Childrens Research Institute); PubMed 23711237 (cited by Victorian Clinical Genetics Services, Murdoch Childrens Research Institute); PubMed 29296726 (cited by Victorian Clinical Genetics Services, Murdoch Childrens Research Institute); PubMed 32166871 (cited by Victorian Clinical Genetics Services, Murdoch Childrens Research Institute).